The following is an entry in ClinVar:

ClinVar aggregate classification (germline): Likely pathogenic (1 of 4 stars; one submission).

Conditions:
Merosin deficient congenital muscular dystrophy (MDC1A). Also called: Congenital Muscular Dystrophy Type 1A (MDC1A); Congenital merosin-deficient muscular dystrophy 1A. Identifiers: Orphanet 258, MedGen C1263858, MONDO:0011925, OMIM 607855.

Submission:

3billion
Classification: Likely pathogenic for Merosin deficient congenital muscular dystrophy. Last evaluated: 2022-03-22. Review status: criteria provided, single submitter. Criteria: ACMG Guidelines, 2015. Collection method: clinical testing. Allele origin: germline. Affected: yes. Observed: 1 heterozygote.
Comment: Stop-gained (nonsense): predicted to result in a loss or disruption of normal protein function through nonsense-mediated decay (NMD) or protein truncation. Multiple pathogenic variants are reported downstream of the variant.It is not observed in the gnomAD v2.1.1 dataset. Therefore, this variant is classified as likely pathogenic according to the recommendation of ACMG/AMP guideline.

NM_000426.4(LAMA2):c.4630G>T (p.Gly1544Ter)

Gene: LAMA2 (laminin subunit alpha 2; plus strand). Cytogenetic location: 6q22.33.
Variant type: single nucleotide variant.
Coding change: c.4630G>T on transcript NM_000426.4 (MANE Select); coding-DNA position 4630, G replaced by T.
Protein change: p.Gly1544Ter; replaces glycine 1544 with a stop codon.
Molecular consequence: nonsense.
Genome position (GRCh38, 1-based): chr6:129,353,270, G>T. VCF-style: chr6-129353270-G-T. GRCh37 (hg19) VCF-style: chr6-129674415-G-T.
Other names: c.4630G>T, p.Gly1544Ter (NM_001079823.2); short protein forms G1544*.
Identifiers: ClinVar variation 1526155 (VCV001526155.1), dbSNP rs374207670, ClinGen allele CA365618650.